The following is an entry in ClinVar:

NM_000548.5(TSC2):c.1716+82T>C

Gene: TSC2 (TSC complex subunit 2; plus strand). Cytogenetic location: 16p13.3.
Variant type: single nucleotide variant.
Coding change: c.1716+82T>C on transcript NM_000548.5 (MANE Select); 82 bases into the intron after coding-DNA position 1716, T replaced by C.
Molecular consequence: intron variant.
Genome position (GRCh38, 1-based): chr16:2,065,717, T>C. VCF-style: chr16-2065717-T-C. GRCh37 (hg19) VCF-style: chr16-2115718-T-C.
Other names: c.1716+82T>C (NM_001114382.3, NM_021055.3, NM_001370405.1 and 3 more transcripts); c.1605+82T>C (NM_001318827.2); c.1116+82T>C (NM_001318831.2); c.1569+82T>C (NM_001318829.2); c.1749+82T>C (NM_001318832.2).
Identifiers: ClinVar variation 670875 (VCV000670875.1), dbSNP rs144949495, ClinGen allele CA276731283.

ClinVar aggregate classification (germline): Likely benign (1 of 4 stars; one submission).

Allele frequency attached by ClinVar (database versions not stated): gnomAD exomes 0.00049; gnomAD 0.00466 and 0.00502; TOPMed 0.00536; 1000 Genomes Project 0.00619; 1000 Genomes Project 30x 0.00640.
gnomAD v4.1: 1,284 of 1,295,228 alleles (0.099%); highest among the groups gnomAD compares: African/African-American, 1.7%; 15 homozygotes.

Submission:

GeneDx
Classification: Likely benign. Last evaluated: 2018-06-14. Review status: criteria provided, single submitter. Criteria: GeneDx Variant Classification (06012015). Collection method: clinical testing. Allele origin: germline. Affected: yes.
Comment: This variant is considered likely benign or benign based on one or more of the following criteria: it is a conservative change, it occurs at a poorly conserved position in the protein, it is predicted to be benign by multiple in silico algorithms, and/or has population frequency not consistent with disease.